The following is an entry in ClinVar:

NM_001371596.2(MFSD8):c.1217C>G (p.Ala406Gly)

Gene: MFSD8 (major facilitator superfamily domain containing 8; minus strand). Cytogenetic location: 4q28.2.
Variant type: single nucleotide variant.
Coding change: c.1217C>G on transcript NM_001371596.2 (MANE Select); coding-DNA position 1217, C replaced by G.
Protein change: p.Ala406Gly; replaces alanine 406 with glycine.
Molecular consequence: missense variant. On other transcripts: 3 prime UTR variant (1).
Genome position (GRCh38, 1-based): chr4:127,921,657, G>C on the plus strand (C>G on the coding strand, the complement: MFSD8 is on the minus strand). VCF-style: chr4-127921657-G-C. GRCh37 (hg19) VCF-style: chr4-128842812-G-C.
Other names: c.1217C>G (NM_152778.2); c.1016C>G, p.Ala339Gly (NM_001363520.3); c.902C>G, p.Ala301Gly (NM_001363521.3); c.1082C>G, p.Ala361Gly (NM_001371590.2); c.1217C>G, p.Ala406Gly (NM_001371591.2, NM_152778.4); c.1223C>G, p.Ala408Gly (NM_001371592.2); c.1103C>G, p.Ala368Gly (NM_001371593.2); c.1070C>G, p.Ala357Gly (NM_001371594.2); and 3 more; short protein forms A361G, A301G, A339G, A357G, A368G, A406G, A312G, A408G.
Identifiers: ClinVar variation 2902323 (VCV002902323.4), dbSNP rs1736353239, ClinGen allele CA358171238.
Genomic context (GRCh38, chr4:127,921,657, plus strand): 5'-ATTAGCACAGCTGATGTAAGGAACTGGGCCAGATGAATCACCGGGGTGTAGAGGCACCAG[G>C]CTTGTTCAATCGAGCAACCAGTTGGTCTTTCATTGTCATCTTCCATTGGAGACTTCCAAA-3'
Protein context (NP_001358525.1, residues 396-416): ERPTGCSIEQ[Ala406Gly]WCLYTPVIHL

ClinVar aggregate classification (germline): Uncertain significance. Review status: criteria provided, multiple submitters, no conflicts (2 of 4 stars). 2 submissions from 2 submitters: Uncertain significance (2). Last evaluated 2025-08-09.

Conditions:
Inborn genetic diseases. Identifiers: MedGen C0950123, MeSH D030342.
Neuronal ceroid lipofuscinosis 7 (CLN7). Also called: MFSD8-Related Neuronal Ceroid-Lipofuscinosis. Identifiers: Orphanet 168491, Orphanet 228366, MedGen C1838571, MONDO:0012588, OMIM 610951.

Submissions (2):

Ambry Genetics
Classification: Uncertain significance for Inborn genetic diseases. Last evaluated: 2025-08-09. Review status: criteria provided, single submitter. Criteria: Ambry Variant Classification Scheme 2023. Collection method: clinical testing. Allele origin: germline.

Labcorp Genetics (formerly Invitae), Labcorp
Classification: Uncertain significance for Neuronal ceroid lipofuscinosis 7. Last evaluated: 2023-08-18. Review status: criteria provided, single submitter. Criteria: Invitae Variant Classification Sherloc (09022015). Collection method: clinical testing. Allele origin: germline.
Comment: In summary, the available evidence is currently insufficient to determine the role of this variant in disease. Therefore, it has been classified as a Variant of Uncertain Significance. Advanced modeling of protein sequence and biophysical properties (such as structural, functional, and spatial information, amino acid conservation, physicochemical variation, residue mobility, and thermodynamic stability) has been performed at Invitae for this missense variant, however the output from this modeling did not meet the statistical confidence thresholds required to predict the impact of this variant on MFSD8 protein function. This variant has not been reported in the literature in individuals affected with MFSD8-related conditions. This variant is not present in population databases (gnomAD no frequency). This sequence change replaces alanine, which is neutral and non-polar, with glycine, which is neutral and non-polar, at codon 406 of the MFSD8 protein (p.Ala406Gly).